The following is an entry in ClinVar:

NM_002860.4(ALDH18A1):c.2185G>T (p.Asp729Tyr)

Gene: ALDH18A1 (aldehyde dehydrogenase 18 family member A1; minus strand). Cytogenetic location: 10q24.1.
Variant type: single nucleotide variant.
Coding change: c.2185G>T on transcript NM_002860.4 (MANE Select); coding-DNA position 2185, G replaced by T.
Protein change: p.Asp729Tyr; replaces aspartic acid 729 with tyrosine.
Molecular consequence: missense variant.
Genome position (GRCh38, 1-based): chr10:95,610,218, C>A on the plus strand (G>T on the coding strand, the complement: ALDH18A1 is on the minus strand). VCF-style: chr10-95610218-C-A. GRCh37 (hg19) VCF-style: chr10-97369975-C-A.
Other names: c.2179G>T, p.Asp727Tyr (NM_001017423.2, NM_001323415.2); c.1852G>T, p.Asp618Tyr (NM_001323412.2, NM_001323416.2); c.2185G>T, p.Asp729Tyr (NM_001323413.2, NM_001323414.2); c.2080G>T, p.Asp694Tyr (NM_001323417.2); c.1846G>T, p.Asp616Tyr (NM_001323418.2); c.1549G>T, p.Asp517Tyr (NM_001323419.2); short protein forms D618Y, D727Y, D616Y, D694Y, D517Y, D729Y.
Identifiers: ClinVar variation 5009509 (VCV005009509.1).

ClinVar aggregate classification (germline): Uncertain significance (1 of 4 stars; one submission).

Submission:

GeneDx
Classification: Uncertain significance. Last evaluated: 2026-03-20. Review status: criteria provided, single submitter. Criteria: GeneDx Variant Classification Process June 2021. Collection method: clinical testing. Allele origin: germline.
Comment: Not observed at significant frequency in large population cohorts (gnomAD); In silico analysis supports that this missense variant has a deleterious effect on protein structure/function; Has not been previously published as pathogenic or benign to our knowledge